The following is an entry in ClinVar:

NM_000152.5(GAA):c.1832G>A (p.Gly611Asp)

Gene: GAA (alpha glucosidase; plus strand). Cytogenetic location: 17q25.3.
Variant type: single nucleotide variant.
Coding change: c.1832G>A on transcript NM_000152.5 (MANE Select); coding-DNA position 1832, G replaced by A.
Protein change: p.Gly611Asp; replaces glycine 611 with aspartic acid.
Molecular consequence: missense variant.
Genome position (GRCh38, 1-based): chr17:80,112,655, G>A. VCF-style: chr17-80112655-G-A. GRCh37 (hg19) VCF-style: chr17-78086454-G-A.
Other names: NM_000152.5(GAA):c.1832G>A; c.1832G>A (LRG_673t1, NM_000152.4); c.1832G>A, p.Gly611Asp (NM_001079803.3, NM_001079804.3); short protein forms G611D.
Identifiers: ClinVar variation 371226 (VCV000371226.19), dbSNP rs1057517105, ClinGen allele CA16041897.

ClinVar aggregate classification (germline): Likely pathogenic. Review status: reviewed by expert panel (3 of 4 stars). 7 submissions from 7 submitters: Likely pathogenic (1). 6 of the submissions do not count toward it. Last evaluated 2022-09-06.

Conditions:
Glycogen storage disease, type II (IOPD). Also called: GLYCOGENOSIS, GENERALIZED, CARDIAC FORM; Glucosidase acid-1,4-alpha deficiency; Pompe Disease; POMPE DISEASE, INFANTILE-ONSET; GSD II; Glycogen storage disease type 2. Identifiers: Orphanet 365, MedGen C0017921, MONDO:0009290, OMIM 232300.

Submissions (7):

ClinGen Lysosomal Storage Disorder Variant Curation Expert Panel
Classification: Likely pathogenic for Glycogen storage disease, type II. Last evaluated: 2022-09-06. Review status: reviewed by expert panel. Criteria: clingen_lsd_acmg_specifications_v2-1. Collection method: curation. Allele origin: germline. Inheritance: Autosomal recessive inheritance.
Comment: The NM_000152.5:c.1832G>A variant in GAA is a missense variant predicted to cause substitution of glycine by aspartate at amino acid 611 (p.Gly611Asp). Four patients with a diagnosis of Pompe disease and this variant have been reported including two with documented features of infantile onset Pompe disease and laboratory values showing deficient GAA activity <1% in skin fibroblasts (PMID: 22252923) or in the affected range in dried blood spot assay (PMID: 25681614), and another reported with features consistent with infantile onset Pompe disease and deficient GAA activity but the laboratory value was not provided (PMID: 24269976). Of the reported patients, three are compound heterozygous for the variant and a variant classified as pathogenic or likely pathogenic by the ClinGen LSD VCEP including c.2501_2502delCA, (pathogenic, presumed in trans, clinical laboratory data), c.1848dupC (clinical laboratory data) (pathogenic, phase unknown), and c.1843G>A (p.Gly615Arg) (PMID: 24269976) (likely pathogenic, phase unknown), and one patient is homozygous (PMID: 25681614). However, the allelic data from this patient with be used in the assessment of p.Asn524Tyr and is not included here to avoid circular logic. (PM3_Strong). This variant is absent from gnomAD v2.1.1 (PM2_Supporting). The computational predictor REVEL gives a score of 0.821 which is above the threshold of 0.7, evidence that correlates with impact to GAA function (PP3). Another missense variant [c.1831G>A, p.Gly611Ser) (ClinVar variation ID: 935199) in the same codon has been classified as likely pathogenic for Pompe disease by the ClinGen LSD VCEP. However, the data from c.1832 (p.Gly611Asp) was used in the classification of p.Gly611Ser, and therefore the data is not ncluded here to avoid circular logic. There is a ClinVar entry for this variant (Variation ID: 371226, 1 star review status) with 2 submitters classifying the variant as Likely Pathogenic and 1 submitter classifying the variant as a Variant of Uncertain Significance. In summary, this variant meets the criteria to be classified as Likely Pathogenic for Pompe disease based on the ACMG/AMP criteria applied, as specified by the ClinGen Lysosomal Storage Disorders Variant Curation Expert panel (Specifications Version 2.0): PM3_Strong, PP4_Moderate, PP3, PM2_Supporting.

Genomenon, Inc
Classification: Likely pathogenic for Glycogen storage disease, type II. Last evaluated: 2026-07-01. Review status: criteria provided, single submitter. Criteria: Genomenon Sequence Variant Interpretation Standards - Updated. Collection method: curation. Allele origin: germline. Affected: yes. Not counted in ClinVar's aggregate classification.
Comment: GAA p.Gly611Asp (c.1832G>A) is a missense variant that changes the amino acid at codon 611 from Glycine to Aspartic acid. This variant has been observed in at least one proband with a GAA-related disorder in the compound heterozygous and/or homozygous state (PMID:35833019;24269976;25681614). The presence of pathogenic/likely pathogenic missense variant(s) at the same amino acid position indicates that this residue is likely important for protein function. It is absent or not present at a significant frequency in gnomAD. In silico models predict that this variant is possibly or probably damaging. In conclusion, we classify GAA p.Gly611Asp (c.1832G>A) as a likely pathogenic variant.

Natera, Inc.
Classification: Likely pathogenic for Glycogen storage disease type II. Last evaluated: 2025-06-12. Review status: criteria provided, single submitter. Criteria: Natera Variant Classification Schema (03/2026). Collection method: clinical testing. Allele origin: germline. Not counted in ClinVar's aggregate classification.
Comment: The c.1832G>A variant in GAA is a missense variant predicted to cause substitution of glycine to aspartic acid at amino acid 611. This variant is rare in the general population with a frequency below the threshold expected for the associated phenotype(s). This variant has been observed in one or more individuals affected with the associated recessive disease, as either homozygous or compound heterozygous with a second variant (PMID: 25681614, 24269976). This variant has been identified in one or more affected individuals with a phenotype highly consistent with the associated gene (PMID: 25681614, 24269976). Computational prediction algorithms indicate this variant is likely to affect gene or protein function. Given the available evidence, this variant is classified as Likely Pathogenic.

Labcorp Genetics (formerly Invitae), Labcorp
Classification: Pathogenic for Glycogen storage disease, type II. Last evaluated: 2025-03-01. Review status: criteria provided, single submitter. Criteria: Invitae Variant Classification Sherloc (09022015). Collection method: clinical testing. Allele origin: germline. Not counted in ClinVar's aggregate classification.
Comment: This sequence change replaces glycine, which is neutral and non-polar, with aspartic acid, which is acidic and polar, at codon 611 of the GAA protein (p.Gly611Asp). This variant is not present in population databases (gnomAD no frequency). This missense change has been observed in individual(s) with Pompe disease and reduced GAA enzymatic activity (PMID: 22252923, 24269976, 25681614; internal data). ClinVar contains an entry for this variant (Variation ID: 371226). Invitae Evidence Modeling of protein sequence and biophysical properties (such as structural, functional, and spatial information, amino acid conservation, physicochemical variation, residue mobility, and thermodynamic stability) indicates that this missense variant is expected to disrupt GAA protein function with a positive predictive value of 95%. For these reasons, this variant has been classified as Pathogenic.

Baylor Genetics
Classification: Likely pathogenic for Glycogen storage disease, type II. Last evaluated: 2023-01-25. Review status: criteria provided, single submitter. Criteria: ACMG Guidelines, 2015. Collection method: clinical testing. Allele origin: unknown. Not counted in ClinVar's aggregate classification.

Broad Center for Mendelian Genomics, Broad Institute of MIT and Harvard
Classification: Uncertain significance for Glycogen storage disease, type II. Last evaluated: 2020-01-22. Review status: criteria provided, single submitter. Criteria: ACMG Guidelines, 2015. Collection method: curation. Allele origin: germline. Inheritance: Autosomal recessive inheritance. Not counted in ClinVar's aggregate classification.
Comment: This variant was absent from large population studies and no high quality genotypes at this site were noted to include this variant. Although this variant has been seen in the general population, its frequency is low enough to be consistent with a recessive carrier frequency. Computational prediction tools and conservation analyses suggest that this variant may impact the protein, though this information is not predictive enough to determine pathogenicity. The presence of this variant in the homozygous state and in an individual with Glycogen Storage Disease II slightly increases the likelihood that the p.Gly611Asp variant is pathogenic (PMID: 25681614). The phenotype of an individual homozygous for this variant is highly specific for Glycogen Storage Disease II based on reduced GAA enzyme in a dried blood spot, consistent with disease (PMID: 25681614). In summary, the clinical significance of the p.Gly611Asp variant is uncertain. ACMG/AMP Criteria applied: PM2_Supporting, PP3, PM3_Supporting, PP4 (Richards 2015).

Counsyl
Classification: Likely pathogenic for Glycogen storage disease, type II. Last evaluated: 2016-08-01. Review status: no assertion criteria provided. Collection method: clinical testing. Allele origin: unknown. Not counted in ClinVar's aggregate classification.

Literature cited by the submitters: PubMed 35833019 (cited by Genomenon, Inc); PubMed 24269976 (cited by 5 submitters); PubMed 25681614 (cited by 5 submitters); PubMed 22252923 (cited by 3 submitters).